The following is an entry in ClinVar:

NM_007373.4(SHOC2):c.616A>G (p.Thr206Ala)

Gene: SHOC2 (SHOC2 leucine rich repeat scaffold protein; plus strand). Cytogenetic location: 10q25.2.
Variant type: single nucleotide variant.
Coding change: c.616A>G on transcript NM_007373.4 (MANE Select); coding-DNA position 616, A replaced by G.
Protein change: p.Thr206Ala; replaces threonine 206 with alanine.
Molecular consequence: missense variant.
Genome position (GRCh38, 1-based): chr10:110,964,974, A>G. VCF-style: chr10-110964974-A-G. GRCh37 (hg19) VCF-style: chr10-112724732-A-G.
Other names: c.616A>G, p.Thr206Ala (NM_001269039.3, NM_001324336.2, NM_001324337.2); short protein forms T206A.
Identifiers: ClinVar variation 1403719 (VCV001403719.10), dbSNP rs370388274, ClinGen allele CA5689603.

ClinVar aggregate classification (germline): Conflicting classifications of pathogenicity. Review status: criteria provided, conflicting classifications (1 of 4 stars). 3 submissions from 3 submitters: Uncertain significance (2); Likely benign (1). Last evaluated 2024-08-28.

Conditions:
Cardiovascular phenotype. Identifiers: MedGen CN230736.
RASopathy. Also called: rasopathies; Noonan spectrum disorder. Identifiers: Orphanet 536391, MedGen C5555857, MONDO:0021060.

Allele frequency attached by ClinVar (database versions not stated): gnomAD exomes 0.00001; TOPMed 0.00001; ExAC 0.00002; ESP Exome Variant Server 0.00008.
gnomAD v4.1: 28 of 1,613,646 alleles (0.0017%); highest among the groups gnomAD compares: South Asian, 0.0022%; no homozygotes.

Submissions (3):

Ambry Genetics
Classification: Uncertain significance for Cardiovascular phenotype. Last evaluated: 2024-08-28. Review status: criteria provided, single submitter. Criteria: Ambry Variant Classification Scheme 2023. Collection method: clinical testing. Allele origin: germline.
Comment: The p.T206A variant (also known as c.616A>G), located in coding exon 1 of the SHOC2 gene, results from an A to G substitution at nucleotide position 616. The threonine at codon 206 is replaced by alanine, an amino acid with similar properties. This amino acid position is conserved. In addition, this alteration is predicted to be tolerated by in silico analysis. Since supporting evidence is limited at this time, the clinical significance of this alteration remains unclear.

Labcorp Genetics (formerly Invitae), Labcorp
Classification: Uncertain significance for RASopathy. Last evaluated: 2023-06-13. Review status: criteria provided, single submitter. Criteria: Invitae Variant Classification Sherloc (09022015). Collection method: clinical testing. Allele origin: germline.
Comment: In summary, the available evidence is currently insufficient to determine the role of this variant in disease. Therefore, it has been classified as a Variant of Uncertain Significance. Advanced modeling of protein sequence and biophysical properties (such as structural, functional, and spatial information, amino acid conservation, physicochemical variation, residue mobility, and thermodynamic stability) performed at Invitae indicates that this missense variant is not expected to disrupt SHOC2 protein function. ClinVar contains an entry for this variant (Variation ID: 1403719). This variant has not been reported in the literature in individuals affected with SHOC2-related conditions. This variant is present in population databases (rs370388274, gnomAD 0.003%). This sequence change replaces threonine, which is neutral and polar, with alanine, which is neutral and non-polar, at codon 206 of the SHOC2 protein (p.Thr206Ala).

Blueprint Genetics
Classification: Likely benign. Last evaluated: 2023-04-28. Review status: criteria provided, single submitter. Criteria: ACMG Guidelines, 2015. Collection method: clinical testing. Allele origin: germline.